The following is an entry in ClinVar:

NM_005228.5(EGFR):c.1283G>A (p.Gly428Asp)

Gene: EGFR (epidermal growth factor receptor; plus strand). Cytogenetic location: 7p11.2.
Variant type: single nucleotide variant.
Coding change: c.1283G>A on transcript NM_005228.5 (MANE Select); coding-DNA position 1283, G replaced by A.
Protein change: p.Gly428Asp; replaces glycine 428 with aspartic acid.
Molecular consequence: missense variant.
Genome position (GRCh38, 1-based): chr7:55,157,738, G>A. VCF-style: chr7-55157738-G-A. GRCh37 (hg19) VCF-style: chr7-55225431-G-A.
Other names: c.1148G>A, p.Gly383Asp (NM_001346897.2, NM_001346899.2); c.1283G>A, p.Gly428Asp (NM_001346898.2, NM_201282.2, NM_201284.2); c.1124G>A, p.Gly375Asp (NM_001346900.2); c.482G>A, p.Gly161Asp (NM_001346941.2); short protein forms G428D, G161D, G383D, G375D.
Identifiers: ClinVar variation 157499 (VCV000157499.14), dbSNP rs606231253, ClinGen allele CA170941.

ClinVar aggregate classification (germline): Pathogenic. Review status: criteria provided, multiple submitters, no conflicts (2 of 4 stars). 3 submissions from 3 submitters: Pathogenic (2). 1 of the submissions does not count toward it. Last evaluated 2025-12-25.

Conditions:
EGFR-related disorders.
Inflammatory skin and bowel disease, neonatal, 2 (NNCIS). Identifiers: Orphanet 294023, MedGen C4015130, MONDO:0014481, OMIM 616069.
EGFR-related lung cancer (EGFR). Identifiers: MedGen CN130014.

Allele frequency attached by ClinVar (database versions not stated): gnomAD exomes below 0.00001 and 0.00001; ExAC 0.00001.
gnomAD v4.1: 9 of 1,614,214 alleles (0.00056%); highest among the groups gnomAD compares: Non-Finnish European, 0.00068%; no homozygotes.

Submissions (3):

Labcorp Genetics (formerly Invitae), Labcorp
Classification: Pathogenic for EGFR-related lung cancer. Last evaluated: 2025-12-25. Review status: criteria provided, single submitter. Criteria: Invitae Variant Classification Sherloc (09022015). Collection method: clinical testing. Allele origin: germline.
Comment: This sequence change replaces glycine, which is neutral and non-polar, with aspartic acid, which is acidic and polar, at codon 428 of the EGFR protein (p.Gly428Asp). This variant is present in population databases (rs606231253, gnomAD no frequency). This missense change has been observed in individuals with autosomal recessive neonatal inflammatory skin and bowel disease (PMID: 24691054, 26436111, 32602142). It has also been observed to segregate with disease in related individuals. ClinVar contains an entry for this variant (Variation ID: 157499). Invitae Evidence Modeling of protein sequence and biophysical properties (such as structural, functional, and spatial information, amino acid conservation, physicochemical variation, residue mobility, and thermodynamic stability) indicates that this missense variant is expected to disrupt EGFR protein function with a positive predictive value of 80%. Experimental studies have shown that this missense change affects EGFR function (PMID: 24691054, 26436111). For these reasons, this variant has been classified as Pathogenic.

Blueprint Genetics
Classification: Pathogenic for EGFR-related disorders. Last evaluated: 2023-04-04. Review status: criteria provided, single submitter. Criteria: ACMG Guidelines, 2015. Collection method: clinical testing. Allele origin: germline. Affected: yes. Observed: 5 variant alleles.

OMIM
Classification: Pathogenic for NEONATAL NEPHROCUTANEOUS INFLAMMATORY SYNDROME. Last evaluated: 2014-10-01. Review status: no assertion criteria provided. Collection method: literature only. Allele origin: germline. Not counted in ClinVar's aggregate classification.

Literature cited by the submitters: PubMed 24691054 (cited by Labcorp Genetics (formerly Invitae), Labcorp and OMIM); PubMed 26436111 (cited by Labcorp Genetics (formerly Invitae), Labcorp); PubMed 32602142 (cited by Labcorp Genetics (formerly Invitae), Labcorp); Alruwaithi, M., Sherlock, M. Neonatal inflammatory skin and bowel disease caused by a homozygous EGFR mutation: a case report and review of the medical literature. (Abstract) J. Canad. Assoc. Gastroent. 1 (suppl. 1): 367-368, 2018. (cited by OMIM); PubMed 32250467 (cited by OMIM); PubMed 36017778 (cited by OMIM).